The following is an entry in ClinVar:

ClinVar aggregate classification (germline): Benign/Likely benign. Review status: criteria provided, multiple submitters, no conflicts (2 of 4 stars). 3 submissions from 3 submitters: Benign (1); Likely benign (2). Last evaluated 2026-01-26.

Conditions:
Hereditary cancer-predisposing syndrome. Also called: Hereditary neoplastic syndrome; Neoplastic Syndromes, Hereditary; Tumor predisposition; Hereditary Cancer Syndrome. Identifiers: Orphanet 140162, MedGen C0027672, MeSH D009386, MONDO:0015356.
Peutz-Jeghers syndrome (PJS). Also called: POLYPOSIS, HAMARTOMATOUS INTESTINAL; POLYPS-AND-SPOTS SYNDROME; Peutz-Jeghers polyposis; Periorificial lentiginosis syndrome. Identifiers: Orphanet 2869, MedGen C0031269, MeSH D010580, MONDO:0008280, OMIM 175200.

Submissions (3):

Labcorp Genetics (formerly Invitae), Labcorp
Classification: Likely benign for Peutz-Jeghers syndrome. Last evaluated: 2026-01-26. Review status: criteria provided, single submitter. Criteria: Invitae Variant Classification Sherloc (09022015). Collection method: clinical testing. Allele origin: germline.

Myriad Genetics, Inc.
Classification: Benign for Peutz-Jeghers syndrome. Last evaluated: 2025-03-25. Review status: criteria provided, single submitter. Criteria: Myriad Autosomal Dominant, Autosomal Recessive and X-Linked Classification Criteria (2023). Collection method: clinical testing. Allele origin: unknown.
Comment: This variant is considered benign. This variant is a silent/synonymous amino acid change and it is not expected to impact splicing.

Ambry Genetics
Classification: Likely benign for Hereditary cancer-predisposing syndrome. Last evaluated: 2017-02-20. Review status: criteria provided, single submitter. Criteria: Ambry Variant Classification Scheme 2023. Collection method: clinical testing. Allele origin: germline.

NM_000455.5(STK11):c.348G>A (p.Val116=)

Gene: STK11 (serine/threonine kinase 11; plus strand). Cytogenetic location: 19p13.3.
Variant type: single nucleotide variant.
Coding change: c.348G>A on transcript NM_000455.5 (MANE Select); coding-DNA position 348, G replaced by A.
Protein change: p.Val116=; no amino-acid change (valine 116 retained).
Molecular consequence: synonymous variant.
Genome position (GRCh38, 1-based): chr19:1,218,474, G>A. VCF-style: chr19-1218474-G-A. GRCh37 (hg19) VCF-style: chr19-1218473-G-A.
Identifiers: ClinVar variation 485017 (VCV000485017.7), dbSNP rs774482643, ClinGen allele CA504706567.